The following is an entry in ClinVar:

ClinVar aggregate classification (germline): Uncertain significance (1 of 4 stars; one submission).

Conditions:
Hereditary cancer-predisposing syndrome. Also called: Hereditary Cancer Syndrome; Hereditary neoplastic syndrome; Neoplastic Syndromes, Hereditary; Tumor predisposition. Identifiers: Orphanet 140162, MedGen C0027672, MeSH D009386, MONDO:0015356.

Submission:

Ambry Genetics
Classification: Uncertain significance for Hereditary cancer-predisposing syndrome. Last evaluated: 2018-09-12. Review status: criteria provided, single submitter. Criteria: Ambry Variant Classification Scheme 2023. Collection method: clinical testing. Allele origin: germline.
Comment: The p.P446H variant (also known as c.1337C>A), located in coding exon 11 of the PMS2 gene, results from a C to A substitution at nucleotide position 1337. The proline at codon 446 is replaced by histidine, an amino acid with similar properties. This amino acid position is poorly conserved in available vertebrate species. In addition, this alteration is predicted to be tolerated by in silico analysis. Since supporting evidence is limited at this time, the clinical significance of this alteration remains unclear.

NM_000535.7(PMS2):c.1337C>A (p.Pro446His)

Gene: PMS2 (PMS1 homolog 2, mismatch repair system component; minus strand). Cytogenetic location: 7p22.1.
Variant type: single nucleotide variant.
Coding change: c.1337C>A on transcript NM_000535.7 (MANE Select); coding-DNA position 1337, C replaced by A.
Protein change: p.Pro446His; replaces proline 446 with histidine.
Molecular consequence: missense variant. On other transcripts: non-coding transcript variant (1).
Genome position (GRCh38, 1-based): chr7:5,987,428, G>T on the plus strand (C>A on the coding strand, the complement: PMS2 is on the minus strand). VCF-style: chr7-5987428-G-T. GRCh37 (hg19) VCF-style: chr7-6027059-G-T.
Other names: c.932C>A, p.Pro311His (NM_001406898.1, NM_001406899.1, NM_001018040.1 and 17 more transcripts); c.872C>A, p.Pro291His (NM_001406900.1); c.863C>A, p.Pro288His (NM_001406901.1, NM_001406902.1); c.824C>A, p.Pro275His (NM_001406904.1, NM_001406905.1); c.1019C>A, p.Pro340His (NM_001406903.1, NM_001322007.2, NM_001322008.2 and 2 more transcripts); c.1181C>A, p.Pro394His (NM_001322006.2, NM_001406870.1); c.776C>A, p.Pro259His (NM_001322010.2, NM_001406906.1, NM_001406907.1); c.404C>A, p.Pro135His (NM_001322011.2, NM_001322012.2); and 12 more; short protein forms P255H, P324H, P343H, P410H, P259H, P288H, P340H, P380H.
Identifiers: ClinVar variation 1770263 (VCV001770263.2), dbSNP rs2128733022, ClinGen allele CA366742304.